The following is an entry in ClinVar:

NM_001353694.2(TIAM1):c.1620C>T (p.Thr540=)

Gene: TIAM1 (TIAM Rac1 associated GEF 1; minus strand). Cytogenetic location: 21q22.11.
Variant type: single nucleotide variant.
Coding change: c.1620C>T on transcript NM_001353694.2 (MANE Select); coding-DNA position 1620, C replaced by T.
Protein change: p.Thr540=; no amino-acid change (threonine 540 retained).
Molecular consequence: synonymous variant.
Genome position (GRCh38, 1-based): chr21:31,225,915, G>A on the plus strand (C>T on the coding strand, the complement: TIAM1 is on the minus strand). VCF-style: chr21-31225915-G-A. GRCh37 (hg19) VCF-style: chr21-32598231-G-A.
Other names: c.1620C>T, p.Thr540= (NM_001353686.2, NM_001353687.2, NM_001353688.1 and 6 more transcripts).
Identifiers: ClinVar variation 4873094 (VCV004873094.2).
Genomic context (GRCh38, chr21:31,225,915, plus strand): 5'-GAGCGTGTCTTCCTTGTGGTGGTGCCTCGCGACCGCAGTGGCGCAGGCAGAGTGGATGGC[G>A]GTGATCCAGTTTTCAAGCTCCGTCTGGCTAGTGGTCTGTACCAGGAAGAAGGGGCAGGAA-3'
Protein context (NP_001340623.1, residues 530-550): TSQTELENWI[Thr540=]AIHSACATAV

ClinVar aggregate classification (germline): Likely benign (1 of 4 stars; one submission).

gnomAD v4.1: 189 of 1,614,118 alleles (0.012%); highest among the groups gnomAD compares: African/African-American, 0.18%; no homozygotes.

Submission:

CeGaT Center for Human Genetics Tuebingen
Classification: Likely benign. Last evaluated: 2026-08-01. Review status: criteria provided, single submitter. Criteria: CeGaT Center For Human Genetics Tuebingen Variant Classification Criteria Version 2. Collection method: clinical testing. Allele origin: germline. Affected: yes. Observed: 2 variant alleles.
Comment: TIAM1: BP4, BP7